The following is an entry in ClinVar:

ClinVar aggregate classification (germline): Uncertain significance (1 of 4 stars; one submission).

Allele frequency attached by ClinVar (database versions not stated): gnomAD exomes below 0.00001.

Submission:

Labcorp Genetics (formerly Invitae), Labcorp
Classification: Uncertain significance. Last evaluated: 2020-11-12. Review status: criteria provided, single submitter. Criteria: Invitae Variant Classification Sherloc (09022015). Collection method: clinical testing. Allele origin: germline.
Comment: In summary, the available evidence is currently insufficient to determine the role of this variant in disease. Therefore, it has been classified as a Variant of Uncertain Significance. Nucleotide substitutions within the consensus splice site are a relatively common cause of aberrant splicing (PMID: 17576681, 9536098). Algorithms developed to predict the effect of sequence changes on RNA splicing suggest that this variant may disrupt the consensus splice site, but this prediction has not been confirmed by published transcriptional studies. This variant has not been reported in the literature in individuals with DHX38-related conditions. This variant is not present in population databases (ExAC no frequency). This sequence change falls in intron 9 of the DHX38 gene. It does not directly change the encoded amino acid sequence of the DHX38 protein. It affects a nucleotide within the consensus splice site of the intron.

Literature cited by the submitters: PubMed 17576681; PubMed 9536098.

NM_014003.4(DHX38):c.1278+4A>G

Gene: DHX38 (DEAH-box helicase 38; plus strand). Cytogenetic location: 16q22.2.
Variant type: single nucleotide variant.
Coding change: c.1278+4A>G on transcript NM_014003.4 (MANE Select); 4 bases into the intron after coding-DNA position 1278, A replaced by G.
Molecular consequence: intron variant.
Genome position (GRCh38, 1-based): chr16:72,100,601, A>G. VCF-style: chr16-72100601-A-G. GRCh37 (hg19) VCF-style: chr16-72134500-A-G.
Identifiers: ClinVar variation 1487368 (VCV001487368.6), dbSNP rs1371794471, ClinGen allele CA623281861.